The following is an entry in ClinVar:

ClinVar aggregate classification (germline): Uncertain significance. Review status: criteria provided, multiple submitters, no conflicts (2 of 4 stars). 2 submissions from 2 submitters: Uncertain significance (2). Last evaluated 2025-10-01.

Conditions:
Hereditary cancer-predisposing syndrome. Also called: Tumor predisposition; Neoplastic Syndromes, Hereditary; Hereditary neoplastic syndrome; Hereditary Cancer Syndrome. Identifiers: Orphanet 140162, MedGen C0027672, MeSH D009386, MONDO:0015356.
Hereditary breast ovarian cancer syndrome. Also called: Hereditary breast and ovarian cancer syndrome; Breast and ovarian cancer; Hereditary breast and/or ovarian cancer syndrome; Hereditary breast and ovarian cancer; BRCA1- and BRCA2-Associated Hereditary Breast and Ovarian Cancer; Hereditary breast and ovarian cancer syndrome (HBOC). Identifiers: Orphanet 145, MedGen C0677776, MeSH D061325, MONDO:0003582. Disease mechanism: loss of function.

Allele frequency attached by ClinVar (database versions not stated): ExAC 0.00001.
gnomAD v4.1: 1 of 1,609,500 alleles (0.000062%); highest among the groups gnomAD compares: Admixed American, 0.0017%; no homozygotes.

Submissions (2):

Labcorp Genetics (formerly Invitae), Labcorp
Classification: Uncertain significance for Hereditary breast ovarian cancer syndrome. Last evaluated: 2025-10-01. Review status: criteria provided, single submitter. Criteria: Invitae Variant Classification Sherloc (09022015). Collection method: clinical testing. Allele origin: germline.
Comment: This sequence change replaces serine, which is neutral and polar, with arginine, which is basic and polar, at codon 104 of the BRCA1 protein (p.Ser104Arg). This variant is present in population databases (rs753342801, gnomAD 0.003%). This variant has not been reported in the literature in individuals affected with BRCA1-related conditions. ClinVar contains an entry for this variant (Variation ID: 849557). Invitae Evidence Modeling of protein sequence and biophysical properties (such as structural, functional, and spatial information, amino acid conservation, physicochemical variation, residue mobility, and thermodynamic stability) indicates that this missense variant is expected to disrupt BRCA1 protein function with a positive predictive value of 80%. In summary, the available evidence is currently insufficient to determine the role of this variant in disease. Therefore, it has been classified as a Variant of Uncertain Significance.

Ambry Genetics
Classification: Uncertain significance for Hereditary cancer-predisposing syndrome. Last evaluated: 2025-04-10. Review status: criteria provided, single submitter. Criteria: Ambry Variant Classification Scheme 2023. Collection method: clinical testing. Allele origin: germline.
Comment: The p.S104R variant (also known as c.310A>C), located in coding exon 5 of the BRCA1 gene, results from an A to C substitution at nucleotide position 310. The serine at codon 104 is replaced by arginine, an amino acid with dissimilar properties. This amino acid position is not well conserved in available vertebrate species. In addition, this alteration is predicted to be deleterious by in silico analysis. Based on the available evidence, the clinical significance of this variant remains unclear.

NM_007294.4(BRCA1):c.310A>C (p.Ser104Arg)

Gene: BRCA1 (BRCA1 DNA repair associated; minus strand). Cytogenetic location: 17q21.31.
Variant type: single nucleotide variant.
Coding change: c.310A>C on transcript NM_007294.4 (MANE Select); coding-DNA position 310, A replaced by C.
Protein change: p.Ser104Arg; replaces serine 104 with arginine.
Molecular consequence: missense variant. On other transcripts: non-coding transcript variant (1).
Genome position (GRCh38, 1-based): chr17:43,104,253, T>G on the plus strand (A>C on the coding strand, the complement: BRCA1 is on the minus strand). VCF-style: chr17-43104253-T-G. GRCh37 (hg19) VCF-style: chr17-41256270-T-G.
Other names: c.310A>C, p.Ser104Arg (NM_001407641.1, NM_001407642.1, NM_001407644.1 and 165 more transcripts); c.301A>C, p.Ser101Arg (NM_001407646.1, NM_001407647.1, NM_001408408.1); c.232A>C, p.Ser78Arg (NM_001407655.1, NM_001407656.1, NM_001407653.1 and 21 more transcripts); c.100A>C, p.Ser34Arg (NM_001407571.1, NM_001407853.1, NM_001407879.1 and 58 more transcripts); c.169A>C, p.Ser57Arg (NM_001407692.1, NM_001407694.1, NM_001407695.1 and 99 more transcripts); c.-72A>C (NM_001407959.1, NM_001407960.1, NM_001407962.1 and 4 more transcripts); c.178A>C, p.Ser60Arg (NM_001408451.1); short protein forms S57R, S104R, S78R, S60R, S34R, S101R.
Identifiers: ClinVar variation 849557 (VCV000849557.12), dbSNP rs753342801, ClinGen allele CA055692.